The following is an entry in ClinVar:

ClinVar aggregate classification (germline): Uncertain significance (1 of 4 stars; one submission).

Allele frequency attached by ClinVar (database versions not stated): gnomAD exomes below 0.00001.
gnomAD v4.1: 1 of 1,614,208 alleles (0.000062%); highest among the groups gnomAD compares: Non-Finnish European, 0.000085%; no homozygotes.

Submission:

Labcorp Genetics (formerly Invitae), Labcorp
Classification: Uncertain significance. Last evaluated: 2023-08-02. Review status: criteria provided, single submitter. Criteria: Invitae Variant Classification Sherloc (09022015). Collection method: clinical testing. Allele origin: germline.
Comment: In summary, the available evidence is currently insufficient to determine the role of this variant in disease. Therefore, it has been classified as a Variant of Uncertain Significance. Advanced modeling of protein sequence and biophysical properties (such as structural, functional, and spatial information, amino acid conservation, physicochemical variation, residue mobility, and thermodynamic stability) performed at Invitae indicates that this missense variant is not expected to disrupt DUOX2 protein function. This variant has not been reported in the literature in individuals affected with DUOX2-related conditions. This variant is not present in population databases (gnomAD no frequency). This sequence change replaces histidine, which is basic and polar, with tyrosine, which is neutral and polar, at codon 1208 of the DUOX2 protein (p.His1208Tyr).

NM_001363711.2(DUOX2):c.3622C>T (p.His1208Tyr)

Gene: DUOX2 (dual oxidase 2; minus strand). Cytogenetic location: 15q21.1.
Variant type: single nucleotide variant.
Coding change: c.3622C>T on transcript NM_001363711.2 (MANE Select); coding-DNA position 3622, C replaced by T.
Protein change: p.His1208Tyr; replaces histidine 1208 with tyrosine.
Molecular consequence: missense variant.
Genome position (GRCh38, 1-based): chr15:45,097,685, G>A on the plus strand (C>T on the coding strand, the complement: DUOX2 is on the minus strand). VCF-style: chr15-45097685-G-A. GRCh37 (hg19) VCF-style: chr15-45389883-G-A.
Other names: c.3622C>T, p.His1208Tyr (NM_014080.5); short protein forms H1208Y.
Identifiers: ClinVar variation 3016664 (VCV003016664.3), dbSNP rs2504744520, ClinGen allele CA392256184.